The following is an entry in ClinVar:

NM_032188.3(KAT8):c.1311_1312+2del

Gene: KAT8 (lysine acetyltransferase 8; plus strand). Cytogenetic location: 16p11.2.
Variant type: Deletion.
Coding change: c.1311_1312+2del on transcript NM_032188.3 (MANE Select); coding-DNA position 1311 through the canonical splice donor site of the intron after coding-DNA position 1312, 4 bases deleted (AGGT; older notation c.1311_1312+2delAGGT).
Molecular consequence: splice donor variant. On other transcripts: frameshift variant (1).
Genome position (GRCh38, 1-based): chr16:31,130,899-31,130,902, AGGT deleted. VCF-style (leftmost placement, unchanged base first): chr16-31130898-CAGGT-C. GRCh37 (hg19) VCF-style: chr16-31142219-CAGGT-C.
Other names: c.1311_1314del, p.Trp440fs (NM_182958.4); short protein forms W440fs.
Identifiers: ClinVar variation 3253076 (VCV003253076.1), dbSNP rs2057572390.

ClinVar aggregate classification (germline): Uncertain significance (1 of 4 stars; one submission).

Allele frequency attached by ClinVar (database versions not stated): TOPMed below 0.00001; gnomAD 0.00001; gnomAD exomes 0.00001.

Submission:

GeneDx
Classification: Uncertain significance. Last evaluated: 2023-04-19. Review status: criteria provided, single submitter. Criteria: GeneDx Variant Classification Process June 2021. Collection method: clinical testing. Allele origin: germline. Affected: yes.
Comment: Not observed at significant frequency in large population cohorts (gnomAD); Has not been previously published as pathogenic or benign to our knowledge; Frameshift variant predicted to result in protein elongation, as the last 28 amino acids are replaced with 69 different amino acids